The following is an entry in ClinVar:

NM_002049.4(GATA1):c.1157T>C (p.Leu386Pro)

Gene: GATA1 (GATA binding protein 1; plus strand). Cytogenetic location: Xp11.23.
Variant type: single nucleotide variant.
Coding change: c.1157T>C on transcript NM_002049.4 (MANE Select); coding-DNA position 1157, T replaced by C.
Protein change: p.Leu386Pro; replaces leucine 386 with proline.
Molecular consequence: missense variant.
Genome position (GRCh38, 1-based): chrX:48,794,079, T>C. VCF-style: chrX-48794079-T-C. GRCh37 (hg19) VCF-style: chrX-48652486-T-C.
Other names: c.1157T>C (NM_002049.3); short protein forms L386P.
Identifiers: ClinVar variation 1165471 (VCV001165471.12), dbSNP rs782120820, ClinGen allele CA10404705.
Genomic context (GRCh38, chrX:48,794,079, plus strand): 5'-GCCTGGGCCCTGTGGTGCTGTCAGGGCCTGTTAGCCACCTCATGCCTTTCCCTGGACCCC[T>C]ACTGGGCTCACCCACGGGCTCCTTCCCCACAGGCCCCATGCCCCCCACCACCAGCACTAC-3'
Protein context (NP_002040.1, residues 376-396): VSHLMPFPGP[Leu386Pro]LGSPTGSFPT

ClinVar aggregate classification (germline): Conflicting classifications of pathogenicity. Review status: criteria provided, conflicting classifications (1 of 4 stars). 4 submissions from 4 submitters: Uncertain significance (3); Benign (1). Last evaluated 2025-11-03.

Conditions:
GATA1-related disorder. Also called: GATA1-related condition.
Diamond-Blackfan anemia. Also called: Blackfan Diamond syndrome; Aregenerative anemia chronic congenital; Red cell aplasia, pure hereditary; Congenital hypoplastic anemia; Aase syndrome. Identifiers: Orphanet 124, MedGen C1260899, MeSH D029503, MONDO:0015253, HP:0004810.
GATA binding protein 1 related thrombocytopenia with dyserythropoiesis. Also called: GATA1-Related Cytopenia; GATA1-Related X-Linked Cytopenia. Identifiers: MedGen C1845837, MONDO:0100089.
Inborn genetic diseases. Identifiers: MedGen C0950123, MeSH D030342.

Allele frequency attached by ClinVar (database versions not stated): gnomAD exomes 0.00004 and 0.00009; gnomAD 0.00005 and 0.00009; ExAC 0.00006; TOPMed 0.00008.

Submissions (4):

Labcorp Genetics (formerly Invitae), Labcorp
Classification: Benign for GATA binding protein 1 related thrombocytopenia with dyserythropoiesis; Diamond-Blackfan anemia. Last evaluated: 2025-11-03. Review status: criteria provided, single submitter. Criteria: Invitae Variant Classification Sherloc (09022015). Collection method: clinical testing. Allele origin: germline.

Ambry Genetics
Classification: Uncertain significance for Inborn genetic diseases. Last evaluated: 2025-02-01. Review status: criteria provided, single submitter. Criteria: Ambry Variant Classification Scheme 2023. Collection method: clinical testing. Allele origin: germline.

Revvity Omics, Revvity
Classification: Uncertain significance. Last evaluated: 2024-07-10. Review status: criteria provided, single submitter. Criteria: ACMG Guidelines, 2015. Collection method: clinical testing. Allele origin: germline.

PreventionGenetics, part of Exact Sciences
Classification: Uncertain significance for GATA1-related condition. Last evaluated: 2022-12-15. Review status: criteria provided, single submitter. Criteria: ACMG Guidelines, 2015. Collection method: clinical testing. Allele origin: germline.
Comment: The GATA1 c.1157T>C variant is predicted to result in the amino acid substitution p.Leu386Pro. To our knowledge, this variant has not been reported in the literature. This variant is reported in 0.0091% of alleles in individuals of European (Non-Finnish) descent in gnomAD, including 3 hemizygous individuals. Although we suspect that this variant may be benign, at this time, the clinical significance of this variant is uncertain due to the absence of conclusive functional and genetic evidence.